The following is an entry in ClinVar:

ClinVar aggregate classification (germline): Uncertain significance (1 of 4 stars; one submission).

Conditions:
Acrocallosal syndrome (ACLS). Also called: HALLUX DUPLICATION, POSTAXIAL POLYDACTYLY, AND ABSENCE OF CORPUS CALLOSUM; Schinzel syndrome 1; Absence of corpus callosum with unusual facial appearance, mental deficiency, duplication of the halluces and polydactyly. Identifiers: Orphanet 36, MedGen C0796147, MONDO:0008708, OMIM 200990.

Submission:

Labcorp Genetics (formerly Invitae), Labcorp
Classification: Uncertain significance for Acrocallosal syndrome. Last evaluated: 2022-06-18. Review status: criteria provided, single submitter. Criteria: Invitae Variant Classification Sherloc (09022015). Collection method: clinical testing. Allele origin: germline.
Comment: This variant is not present in population databases (gnomAD no frequency). This variant has not been reported in the literature in individuals affected with KIF7-related conditions. Algorithms developed to predict the effect of missense changes on protein structure and function (SIFT, PolyPhen-2, Align-GVGD) all suggest that this variant is likely to be disruptive. Algorithms developed to predict the effect of sequence changes on RNA splicing suggest that this variant may disrupt the consensus splice site. In summary, the available evidence is currently insufficient to determine the role of this variant in disease. Therefore, it has been classified as a Variant of Uncertain Significance. This sequence change replaces lysine, which is basic and polar, with arginine, which is basic and polar, at codon 1106 of the KIF7 protein (p.Lys1106Arg).

NM_198525.3(KIF7):c.3317A>G (p.Lys1106Arg)

Gene: KIF7 (kinesin family member 7; minus strand). Cytogenetic location: 15q26.1.
Variant type: single nucleotide variant.
Coding change: c.3317A>G on transcript NM_198525.3 (MANE Select); coding-DNA position 3317, A replaced by G.
Protein change: p.Lys1106Arg; replaces lysine 1106 with arginine.
Molecular consequence: missense variant.
Genome position (GRCh38, 1-based): chr15:89,630,288, T>C on the plus strand (A>G on the coding strand, the complement: KIF7 is on the minus strand). VCF-style: chr15-89630288-T-C. GRCh37 (hg19) VCF-style: chr15-90173519-T-C.
Other names: short protein forms K1106R.
Identifiers: ClinVar variation 2000306 (VCV002000306.4), dbSNP rs2505419632, ClinGen allele CA393755792.
Genomic context (GRCh38, chr15:89,630,288, plus strand): 5'-GACACCTCCCCACACGTGCCGCTGAGGAGGAGCTGGGGGGCCATGGGCTGCTGGCCCACC[T>C]TGTCAAAATACTTGCAGAGGAGGGCTCTGGTCTCTGAGGATGAGAGGTAGCTGAGCTTGG-3'
Protein context (NP_940927.2, residues 1096-1116): TRALLCKYFD[Lys1106Arg]VVTLREEQHQ